The following is an entry in ClinVar:

ClinVar aggregate classification (germline): Likely pathogenic (1 of 4 stars; one submission).

Conditions:
Tuberous sclerosis 2 (TSC2). Identifiers: Orphanet 805, MedGen C1860707, MONDO:0013199, OMIM 613254.

Submission:

3billion
Classification: Likely pathogenic for Tuberous sclerosis 2. Last evaluated: 2022-09-01. Review status: criteria provided, single submitter. Criteria: ACMG Guidelines, 2015. Collection method: clinical testing. Allele origin: germline. Affected: yes. Observed: 1 heterozygote.
Comment: The variant is not observed in the gnomAD v2.1.1 dataset. It is predicted to result in a loss or disruption of normal protein function through nonsense-mediated decay (NMD) or protein truncation. Multiple pathogenic variants are reported downstream of the variant. Therefore, this variant is classified as Likely pathogenic according to the recommendation of ACMG/AMP guideline.

NM_000548.5(TSC2):c.2265del (p.Gly756fs)

Gene: TSC2 (TSC complex subunit 2; plus strand). Cytogenetic location: 16p13.3.
Variant type: Deletion.
Coding change: c.2265del on transcript NM_000548.5 (MANE Select); coding-DNA position 2265, one base deleted (A; older notation c.2265delA).
Protein change: p.Gly756fs; shifts the reading frame from glycine 756.
Molecular consequence: frameshift variant.
Genome position (GRCh38, 1-based): chr16:2,072,893, A deleted; the last of 2 consecutive A bases (chr16:2,072,892-2,072,893); deleting either gives the same sequence. VCF-style (leftmost placement, unchanged base first): chr16-2072891-GA-G. GRCh37 (hg19) VCF-style: chr16-2122892-GA-G.
Other names: c.2265del, p.Gly756fs (NM_001077183.3, NM_001114382.3, NM_001363528.2 and 3 more transcripts); c.2154del, p.Gly719fs (NM_001318827.2); c.2118del, p.Gly707fs (NM_001318829.2); c.1665del, p.Gly556fs (NM_001318831.2); c.2298del, p.Gly767fs (NM_001318832.2); c.2265delA, p.Gly756Alafs (NM_001406663.1, NM_001406664.1, NM_001406665.1); c.2355delA, p.Gly786Alafs (NM_001406667.1, NM_001406668.1); c.2154delA, p.Gly719Alafs (NM_001406670.1, NM_001406678.1); and 7 more; short protein forms G556fs, G707fs, G719fs, G756fs, G767fs.
Identifiers: ClinVar variation 1705453 (VCV001705453.1), dbSNP rs2543764233, ClinGen allele CA2580090823.
Genomic context (GRCh38, chr16:2,072,891, plus strand): 5'-CCTGGATTTGGTCATCAGCTTTCAGGCCCAAAGACACTGGAGCGGCTCCGAGGCGCCCCA[GA>G]AGGCTTCTCCAGAACTGACTTGCACCTGGCCGTGGTTCCAGTGCTGACAGCATTAATCTC-3'